The following is an entry in ClinVar:

NM_001394998.1(TANC2):c.2870T>C (p.Leu957Ser)

Genes: TANC2 (tetratricopeptide repeat, ankyrin repeat and coiled-coil containing 2; plus strand), LOC105371856 (uncharacterized LOC105371856; minus strand). Cytogenetic location: 17q23.3.
Variant type: single nucleotide variant.
Coding change: c.2870T>C on transcript NM_001394998.1 (MANE Select); coding-DNA position 2870, T replaced by C.
Protein change: p.Leu957Ser; replaces leucine 957 with serine.
Molecular consequence: missense variant.
Genome position (GRCh38, 1-based): chr17:63,389,363, T>C. VCF-style: chr17-63389363-T-C. GRCh37 (hg19) VCF-style: chr17-61466724-T-C.
Other names: c.2648T>C, p.Leu883Ser (NM_001411076.1, NM_025185.4); short protein forms L883S, L957S.
Identifiers: ClinVar variation 3965322 (VCV003965322.2).

ClinVar aggregate classification (germline): Uncertain significance. Review status: criteria provided, multiple submitters, no conflicts (2 of 4 stars). 2 submissions from 2 submitters: Uncertain significance (2). Last evaluated 2026-09-02.

Conditions:
Inborn genetic diseases. Identifiers: MedGen C0950123, MeSH D030342.
TANC2-related disorder. Also called: TANC2-related condition.

Submissions (2):

PreventionGenetics, part of Exact Sciences
Classification: Uncertain significance for TANC2-related condition. Last evaluated: 2026-09-02. Review status: criteria provided, single submitter. Criteria: ACMG Guidelines, 2015. Collection method: clinical testing. Allele origin: germline.
Comment: The TANC2 c.2648T>C variant is predicted to result in the amino acid substitution p.Leu883Ser. To our knowledge, this variant has not been reported in the literature or in a large population database (gnomAD), indicating this variant is rare. At this time, the clinical significance of this variant is uncertain due to the absence of conclusive functional and genetic evidence.

Ambry Genetics
Classification: Uncertain significance for Inborn genetic diseases. Last evaluated: 2025-03-26. Review status: criteria provided, single submitter. Criteria: Ambry Variant Classification Scheme 2023. Collection method: clinical testing. Allele origin: germline.